The following is an entry in ClinVar:

NM_004385.5(VCAN):c.5231C>G (p.Thr1744Arg)

Genes: VCAN (versican; plus strand), VCAN-AS1 (VCAN antisense RNA 1; minus strand). Cytogenetic location: 5q14.3.
Variant type: single nucleotide variant.
Coding change: c.5231C>G on transcript NM_004385.5 (MANE Select); coding-DNA position 5231, C replaced by G.
Protein change: p.Thr1744Arg; replaces threonine 1744 with arginine.
Molecular consequence: missense variant. On other transcripts: intron variant (2).
Genome position (GRCh38, 1-based): chr5:83,538,234, C>G. VCF-style: chr5-83538234-C-G. GRCh37 (hg19) VCF-style: chr5-82834053-C-G.
Other names: c.2270C>G, p.Thr757Arg (NM_001164097.2); c.4004-7303C>G (NM_001164098.2); c.1043-7303C>G (NM_001126336.3); c.5231C>G (NM_004385.4); short protein forms T1744R, T757R.
Identifiers: ClinVar variation 1471696 (VCV001471696.7), dbSNP rs561638583, ClinGen allele CA121809311.
Genomic context (GRCh38, chr5:83,538,234, plus strand): 5'-AAAGGAAGGAGGAGGAGGGAACTACAGGTACGGCTTCTACATTTGAGGTATATTCATCTA[C>G]ACAGAGATCGGATCAATTAATTTTACCCTTTGAATTAGAAAGTCCAAATGTAGCTACATC-3'
Protein context (NP_004376.2, residues 1734-1754): TASTFEVYSS[Thr1744Arg]QRSDQLILPF

ClinVar aggregate classification (germline): Uncertain significance. Review status: criteria provided, multiple submitters, no conflicts (2 of 4 stars). 2 submissions from 2 submitters: Uncertain significance (2). Last evaluated 2025-08-23.

Conditions:
Inborn genetic diseases. Identifiers: MedGen C0950123, MeSH D030342.

Allele frequency attached by ClinVar (database versions not stated): gnomAD exomes 0.00001; 1000 Genomes Project 30x 0.00031.
gnomAD v4.1: 6 of 1,613,852 alleles (0.00037%); highest among the groups gnomAD compares: Admixed American, 0.01%; no homozygotes.

Submissions (2):

Ambry Genetics
Classification: Uncertain significance for Inborn genetic diseases. Last evaluated: 2025-08-23. Review status: criteria provided, single submitter. Criteria: Ambry Variant Classification Scheme 2023. Collection method: clinical testing. Allele origin: germline.

Labcorp Genetics (formerly Invitae), Labcorp
Classification: Uncertain significance. Last evaluated: 2024-02-24. Review status: criteria provided, single submitter. Criteria: Invitae Variant Classification Sherloc (09022015). Collection method: clinical testing. Allele origin: germline.
Comment: This sequence change replaces threonine, which is neutral and polar, with arginine, which is basic and polar, at codon 1744 of the VCAN protein (p.Thr1744Arg). This variant is present in population databases (rs561638583, gnomAD 0.1%). This variant has not been reported in the literature in individuals affected with VCAN-related conditions. ClinVar contains an entry for this variant (Variation ID: 1471696). An algorithm developed to predict the effect of missense changes on protein structure and function (PolyPhen-2) suggests that this variant is likely to be tolerated. In summary, the available evidence is currently insufficient to determine the role of this variant in disease. Therefore, it has been classified as a Variant of Uncertain Significance.